The following is an entry in ClinVar:

NM_002016.2(FLG):c.6104G>T (p.Gly2035Val)

Genes: CCDST (cervical cancer associated DHX9 suppressive transcript; plus strand), FLG (filaggrin; minus strand). Cytogenetic location: 1q21.3.
Variant type: single nucleotide variant.
Coding change: c.6104G>T on transcript NM_002016.2 (MANE Select); coding-DNA position 6104, G replaced by T.
Protein change: p.Gly2035Val; replaces glycine 2035 with valine.
Molecular consequence: missense variant.
Genome position (GRCh38, 1-based): chr1:152,308,782, C>A on the plus strand (G>T on the coding strand, the complement: FLG is on the minus strand). VCF-style: chr1-152308782-C-A. GRCh37 (hg19) VCF-style: chr1-152281258-C-A.
Other names: short protein forms G2035V.
Identifiers: ClinVar variation 2639280 (VCV002639280.24), dbSNP rs1378129457, ClinGen allele CA342057745.
Genomic context (GRCh38, chr1:152,308,782, plus strand): 5'-TCTGAGTCTTCTGAATGTCCCTCACTGTCACTGGCCTGACTACCACTGTACCCTCGGTGT[C>A]CACTGTCTCTGACTGCAGATGAAGCTTGTCCATGCCCAATGCCTGAGTGTCTGGAGCTGT-3'
Protein context (NP_002007.1, residues 2025-2045): GQASSAVRDS[Gly2035Val]HRGYSGSQAS

ClinVar aggregate classification (germline): Uncertain significance (1 of 4 stars; one submission).

Submission:

CeGaT Center for Human Genetics Tuebingen
Classification: Uncertain significance. Last evaluated: 2023-09-01. Review status: criteria provided, single submitter. Criteria: CeGaT Center For Human Genetics Tuebingen Variant Classification Criteria Version 2. Collection method: clinical testing. Allele origin: germline. Affected: yes. Observed: 1 variant allele.
Comment: FLG: PM2, BP4